The following is an entry in ClinVar:

NM_001379500.1(COL18A1):c.2943G>A (p.Glu981=)

Genes: COL18A1 (collagen type XVIII alpha 1 chain; plus strand), SLC19A1 (solute carrier family 19 member 1; minus strand). Cytogenetic location: 21q22.3.
Variant type: single nucleotide variant.
Coding change: c.2943G>A on transcript NM_001379500.1 (MANE Select); coding-DNA position 2943, G replaced by A.
Protein change: p.Glu981=; no amino-acid change (glutamic acid 981 retained).
Molecular consequence: synonymous variant.
Genome position (GRCh38, 1-based): chr21:45,505,208, G>A. VCF-style: chr21-45505208-G-A. GRCh37 (hg19) VCF-style: chr21-46925122-G-A.
Other names: c.3474G>A, p.Glu1158= (NM_030582.4); c.4179G>A, p.Glu1393= (NM_130444.3).
Identifiers: ClinVar variation 1572812 (VCV001572812.10), dbSNP rs534342396, ClinGen allele CA10067565.
Genomic context (GRCh38, chr21:45,505,208, plus strand): 5'-GAGCATCCGGGGCCAGCCCGGCCCACCTGGACCTCAGGGACCCCCCGGCATCGGCTACGA[G>A]GGGCGCCAGGGCCCTCCCGGCCCCCCAGGCCCCCCAGGGCCCCCTTCATTTCCTGGCCCT-3'
Protein context (NP_001366429.1, residues 971-991): GPQGPPGIGY[Glu981=]GRQGPPGPPG

ClinVar aggregate classification (germline): Likely benign. Review status: criteria provided, multiple submitters, no conflicts (2 of 4 stars). 3 submissions from 3 submitters: Likely benign (3). Last evaluated 2026-08-01.

Allele frequency attached by ClinVar (database versions not stated): TOPMed 0.00001; gnomAD 0.00005; gnomAD exomes 0.00007 and 0.00014; ExAC 0.00023; 1000 Genomes Project 30x 0.00047; 1000 Genomes Project 0.00060.
gnomAD v4.1: 111 of 1,603,498 alleles (0.0069%); highest among the groups gnomAD compares: South Asian, 0.12%; 1 homozygote.

Submissions (3):

CeGaT Center for Human Genetics Tuebingen
Classification: Likely benign. Last evaluated: 2026-08-01. Review status: criteria provided, single submitter. Criteria: CeGaT Center For Human Genetics Tuebingen Variant Classification Criteria Version 2. Collection method: clinical testing. Allele origin: germline. Affected: yes. Observed: 1 variant allele.
Comment: COL18A1: BP4, BP7

Labcorp Genetics (formerly Invitae), Labcorp
Classification: Likely benign. Last evaluated: 2025-11-06. Review status: criteria provided, single submitter. Criteria: Invitae Variant Classification Sherloc (09022015). Collection method: clinical testing. Allele origin: germline.

Blueprint Genetics
Classification: Likely benign. Last evaluated: 2023-09-13. Review status: criteria provided, single submitter. Criteria: ACMG Guidelines, 2015. Collection method: clinical testing. Allele origin: germline.